The following is an entry in ClinVar:

NM_001199138.2(NLRC4):c.1175A>G (p.His392Arg)

Gene: NLRC4 (NLR family CARD domain containing 4; minus strand). Cytogenetic location: 2p22.3.
Variant type: single nucleotide variant.
Coding change: c.1175A>G on transcript NM_001199138.2 (MANE Select); coding-DNA position 1175, A replaced by G.
Protein change: p.His392Arg; replaces histidine 392 with arginine.
Molecular consequence: missense variant. On other transcripts: intron variant (1).
Genome position (GRCh38, 1-based): chr2:32,250,689, T>C on the plus strand (A>G on the coding strand, the complement: NLRC4 is on the minus strand). VCF-style: chr2-32250689-T-C. GRCh37 (hg19) VCF-style: chr2-32475758-T-C.
Other names: c.1175A>G, p.His392Arg (NM_001199139.2, NM_021209.5); c.262+1730A>G (NM_001302504.1); short protein forms H392R.
Identifiers: ClinVar variation 1402423 (VCV001402423.8), dbSNP rs2148942468, ClinGen allele CA346513267.

ClinVar aggregate classification (germline): Uncertain significance (1 of 4 stars; one submission).

Conditions:
Familial cold autoinflammatory syndrome 4 (FCAS4). Identifiers: Orphanet 47045, Orphanet 576349, MedGen C4015276, MONDO:0014498, OMIM 616115.
Periodic fever-infantile enterocolitis-autoinflammatory syndrome. Also called: Autoinflammation with infantile enterocolitis. Identifiers: Orphanet 436166, MedGen C4015067, MONDO:0014472, OMIM 616050.

Submission:

Labcorp Genetics (formerly Invitae), Labcorp
Classification: Uncertain significance for Periodic fever-infantile enterocolitis-autoinflammatory syndrome; Familial cold autoinflammatory syndrome 4. Last evaluated: 2022-08-22. Review status: criteria provided, single submitter. Criteria: Invitae Variant Classification Sherloc (09022015). Collection method: clinical testing. Allele origin: germline.
Comment: In summary, the available evidence is currently insufficient to determine the role of this variant in disease. Therefore, it has been classified as a Variant of Uncertain Significance. Algorithms developed to predict the effect of missense changes on protein structure and function (SIFT, PolyPhen-2, Align-GVGD) all suggest that this variant is likely to be tolerated. ClinVar contains an entry for this variant (Variation ID: 1402423). This variant has not been reported in the literature in individuals affected with NLRC4-related conditions. This variant is not present in population databases (gnomAD no frequency). This sequence change replaces histidine, which is basic and polar, with arginine, which is basic and polar, at codon 392 of the NLRC4 protein (p.His392Arg).